The following is an entry in ClinVar:

NM_198904.4(GABRG2):c.448A>G (p.Thr150Ala)

Gene: GABRG2 (gamma-aminobutyric acid type A receptor subunit gamma2; plus strand). Cytogenetic location: 5q34.
Variant type: single nucleotide variant.
Coding change: c.448A>G on transcript NM_198904.4 (MANE Select); coding-DNA position 448, A replaced by G.
Protein change: p.Thr150Ala; replaces threonine 150 with alanine.
Molecular consequence: missense variant.
Genome position (GRCh38, 1-based): chr5:162,097,758, A>G. VCF-style: chr5-162097758-A-G. GRCh37 (hg19) VCF-style: chr5-161524764-A-G.
Other names: c.448A>G, p.Thr150Ala (NM_000816.3, NM_001375340.1, NM_001375341.1 and 4 more transcripts); c.439A>G, p.Thr147Ala (NM_001375339.1); c.382A>G, p.Thr128Ala (NM_001375345.1, NM_001375346.1); c.361A>G, p.Thr121Ala (NM_001375347.1); c.28A>G, p.Thr10Ala (NM_001375348.1, NM_001375350.1); c.163A>G, p.Thr55Ala (NM_001375349.1); short protein forms T10A, T121A, T128A, T147A, T150A, T55A.
Identifiers: ClinVar variation 3573479 (VCV003573479.1).

ClinVar aggregate classification (germline): Uncertain significance (1 of 4 stars; one submission).

Submission:

GeneDx
Classification: Uncertain significance. Last evaluated: 2024-07-12. Review status: criteria provided, single submitter. Criteria: GeneDx Variant Classification Process June 2021. Collection method: clinical testing. Allele origin: germline. Affected: yes.
Comment: Not observed at significant frequency in large population cohorts (gnomAD); In silico analysis supports that this missense variant has a deleterious effect on protein structure/function; Has not been previously published as pathogenic or benign to our knowledge